The following is an entry in ClinVar:

ClinVar aggregate classification (germline): Uncertain significance. Review status: criteria provided, multiple submitters, no conflicts (2 of 4 stars). 2 submissions from 2 submitters: Uncertain significance (2). Last evaluated 2025-08-08.

Conditions:
Hereditary cancer-predisposing syndrome. Also called: Neoplastic Syndromes, Hereditary; Tumor predisposition; Hereditary neoplastic syndrome; Hereditary Cancer Syndrome. Identifiers: Orphanet 140162, MedGen C0027672, MeSH D009386, MONDO:0015356.

Allele frequency attached by ClinVar (database versions not stated): gnomAD exomes below 0.00001.
gnomAD v4.1: 1 of 1,608,138 alleles (0.000062%); highest among the groups gnomAD compares: Non-Finnish European, 0.000085%; no homozygotes.

Submissions (2):

Ambry Genetics
Classification: Uncertain significance for Hereditary cancer-predisposing syndrome. Last evaluated: 2025-08-08. Review status: criteria provided, single submitter. Criteria: Ambry Variant Classification Scheme 2023. Collection method: clinical testing. Allele origin: germline.
Comment: The p.D21N variant (also known as c.61G>A), located in coding exon 1 of the SMARCB1 gene, results from a G to A substitution at nucleotide position 61. The aspartic acid at codon 21 is replaced by asparagine, an amino acid with highly similar properties. This amino acid position is not well conserved in available vertebrate species. In addition, this alteration is predicted to be tolerated by in silico analysis. Based on the available evidence, the clinical significance of this variant remains unclear.

Labcorp Genetics (formerly Invitae), Labcorp
Classification: Uncertain significance. Last evaluated: 2024-02-17. Review status: criteria provided, single submitter. Criteria: Invitae Variant Classification Sherloc (09022015). Collection method: clinical testing. Allele origin: germline.
Comment: This sequence change replaces aspartic acid, which is acidic and polar, with asparagine, which is neutral and polar, at codon 21 of the SMARCB1 protein (p.Asp21Asn). This variant is not present in population databases (gnomAD no frequency). This variant has not been reported in the literature in individuals affected with SMARCB1-related conditions. ClinVar contains an entry for this variant (Variation ID: 826242). An algorithm developed to predict the effect of missense changes on protein structure and function (PolyPhen-2) suggests that this variant¬†is likely to be tolerated. In summary, the available evidence is currently insufficient to determine the role of this variant in disease. Therefore, it has been classified as a Variant of Uncertain Significance.

NM_003073.5(SMARCB1):c.61G>A (p.Asp21Asn)

Gene: SMARCB1 (SWI/SNF related BAF chromatin remodeling complex subunit B1; plus strand). Cytogenetic location: 22q11.23.
Variant type: single nucleotide variant.
Coding change: c.61G>A on transcript NM_003073.5 (MANE Select); coding-DNA position 61, G replaced by A.
Protein change: p.Asp21Asn; replaces aspartic acid 21 with asparagine.
Molecular consequence: missense variant.
Genome position (GRCh38, 1-based): chr22:23,787,230, G>A. VCF-style: chr22-23787230-G-A. GRCh37 (hg19) VCF-style: chr22-24129417-G-A.
Other names: c.61G>A, p.Asp21Asn (NM_001007468.3, NM_001317946.2, NM_001362877.2); short protein forms D21N.
Identifiers: ClinVar variation 826242 (VCV000826242.14), dbSNP rs1601382598, ClinGen allele CA410930807.